The following is an entry in ClinVar:

ClinVar aggregate classification (germline): Uncertain significance. Review status: criteria provided, multiple submitters, no conflicts (2 of 4 stars). 2 submissions from 2 submitters: Uncertain significance (2). Last evaluated 2026-01-11.

Conditions:
Inborn genetic diseases. Identifiers: MedGen C0950123, MeSH D030342.

Allele frequency attached by ClinVar (database versions not stated): gnomAD exomes 0.00001; gnomAD 0.00002 and 0.00003; TOPMed 0.00002; ExAC 0.00003.
gnomAD v4.1: 13 of 1,590,298 alleles (0.00082%); highest among the groups gnomAD compares: African/African-American, 0.004%; no homozygotes.

Submissions (2):

Labcorp Genetics (formerly Invitae), Labcorp
Classification: Uncertain significance. Last evaluated: 2026-01-11. Review status: criteria provided, single submitter. Criteria: Invitae Variant Classification Sherloc (09022015). Collection method: clinical testing. Allele origin: germline.
Comment: This sequence change replaces glycine, which is neutral and non-polar, with valine, which is neutral and non-polar, at codon 6 of the CSF2RB protein (p.Gly6Val). The frequency data for this variant in the population databases is considered unreliable, as metrics indicate poor data quality at this position in the gnomAD database. This variant has not been reported in the literature in individuals affected with CSF2RB-related conditions. ClinVar contains an entry for this variant (Variation ID: 1366699). An algorithm developed to predict the effect of missense changes on protein structure and function (PolyPhen-2) suggests that this variant is likely to be disruptive. In summary, the available evidence is currently insufficient to determine the role of this variant in disease. Therefore, it has been classified as a Variant of Uncertain Significance.

Ambry Genetics
Classification: Uncertain significance for Inborn genetic diseases. Last evaluated: 2024-07-30. Review status: criteria provided, single submitter. Criteria: Ambry Variant Classification Scheme 2023. Collection method: clinical testing. Allele origin: germline.

NM_000395.3(CSF2RB):c.17G>T (p.Gly6Val)

Gene: CSF2RB (colony stimulating factor 2 receptor subunit beta; plus strand). Cytogenetic location: 22q12.3.
Variant type: single nucleotide variant.
Coding change: c.17G>T on transcript NM_000395.3 (MANE Select); coding-DNA position 17, G replaced by T.
Protein change: p.Gly6Val; replaces glycine 6 with valine.
Molecular consequence: missense variant.
Genome position (GRCh38, 1-based): chr22:36,922,224, G>T. VCF-style: chr22-36922224-G-T. GRCh37 (hg19) VCF-style: chr22-37318266-G-T.
Other names: c.17G>T (NM_000395.2); short protein forms G6V.
Identifiers: ClinVar variation 1366699 (VCV001366699.9), dbSNP rs773869013, ClinGen allele CA10213316.